The following is an entry in ClinVar:

ClinVar aggregate classification (germline): Benign (1 of 4 stars; one submission).

Conditions:
Disorders of Intracellular Cobalamin Metabolism. Identifiers: MedGen CN043592.

Allele frequency attached by ClinVar (database versions not stated): gnomAD 0.00415 and 0.00444; TOPMed 0.00493; 1000 Genomes Project 0.00539; 1000 Genomes Project 30x 0.00609.

Submission:

Illumina Laboratory Services, Illumina
Classification: Benign for Disorders of Intracellular Cobalamin Metabolism. Last evaluated: 2018-01-12. Review status: criteria provided, single submitter. Criteria: ICSL Variant Classification Criteria 13 December 2019. Collection method: clinical testing. Allele origin: germline.
Comment: This variant was observed in the ICSL laboratory as part of a predisposition screen in an ostensibly healthy population. It had not been previously curated by ICSL or reported in the Human Gene Mutation Database (HGMD: prior to June 1st, 2018), and was therefore a candidate for classification through an automated scoring system. Utilizing variant allele frequency, disease prevalence and penetrance estimates, and inheritance mode, an automated score was calculated to assess if this variant is too frequent to cause the disease. Based on the score and internal cut-off values, a variant classified as benign is not then subjected to further curation. The score for this variant resulted in a classification of benign for this disease.

NM_000254.3(MTR):c.*3910G>A

Gene: MTR (5-methyltetrahydrofolate-homocysteine methyltransferase; plus strand). Cytogenetic location: 1q43.
Variant type: single nucleotide variant.
Coding change: c.*3910G>A on transcript NM_000254.3 (MANE Select); 3910 bases downstream of the stop codon, G replaced by A.
Molecular consequence: 3 prime UTR variant.
Genome position (GRCh38, 1-based): chr1:236,901,554, G>A. VCF-style: chr1-236901554-G-A. GRCh37 (hg19) VCF-style: chr1-237064854-G-A.
Other names: c.*3910G>A (NM_001291939.1, NM_001291940.2).
Identifiers: ClinVar variation 296659 (VCV000296659.5), dbSNP rs548764271, ClinGen allele CA10609532.
Genomic context (GRCh38, chr1:236,901,554, plus strand): 5'-TCAGTAACACCATCAACCTGGGAGTTGCCCCTGACCCCTCCAGTCTTAGCTCCTGCTCCT[G>A]TAACAAAATACCACAAACTGGTTAGCTTATAGAGAACAGATGTTTATTTCTTACAGTTCA-3'